The following is an entry in ClinVar:

ClinVar aggregate classification (germline): Likely benign. Review status: criteria provided, multiple submitters, no conflicts (2 of 4 stars). 2 submissions from 2 submitters: Likely benign (2). Last evaluated 2026-09-01.

gnomAD v4.1: 696 of 1,539,406 alleles (0.045%); highest among the groups gnomAD compares: Middle Eastern, 0.33%; 4 homozygotes.

Submissions (2):

CeGaT Center for Human Genetics Tuebingen
Classification: Likely benign. Last evaluated: 2026-09-01. Review status: criteria provided, single submitter. Criteria: CeGaT Center For Human Genetics Tuebingen Variant Classification Criteria Version 2. Collection method: clinical testing. Allele origin: germline. Affected: yes. Observed: 1 variant allele.
Comment: FBXO28: BP4, BS2

Blueprint Genetics
Classification: Likely benign. Last evaluated: 2024-08-29. Review status: criteria provided, single submitter. Criteria: ACMG Guidelines, 2015. Collection method: clinical testing. Allele origin: germline.

NM_015176.4(FBXO28):c.6G>A (p.Ala2=)

Genes: FBXO28 (F-box protein 28; plus strand), LOC129932579 (ATAC-STARR-seq lymphoblastoid active region 2598; plus strand). Cytogenetic location: 1q42.11.
Variant type: single nucleotide variant.
Coding change: c.6G>A on transcript NM_015176.4 (MANE Select); coding-DNA position 6, G replaced by A.
Protein change: p.Ala2=; no amino-acid change (alanine 2 retained).
Molecular consequence: synonymous variant. On other transcripts: non-coding transcript variant (1).
Genome position (GRCh38, 1-based): chr1:224,114,135, G>A. VCF-style: chr1-224114135-G-A. GRCh37 (hg19) VCF-style: chr1-224301837-G-A.
Other names: c.6G>A, p.Ala2= (NM_001136115.3).
Identifiers: ClinVar variation 4941078 (VCV004941078.2).